The following is an entry in ClinVar:

NM_147196.3(TMIE):c.122_125dup (p.Pro43fs)

Gene: TMIE (transmembrane inner ear; plus strand). Cytogenetic location: 3p21.31.
Variant type: Duplication.
Coding change: c.122_125dup on transcript NM_147196.3 (MANE Select); coding-DNA positions 122 to 125, 4 bases duplicated (CGCC; older notation c.122_125dupCGCC).
Protein change: p.Pro43fs; shifts the reading frame from proline 43.
Molecular consequence: frameshift variant. On other transcripts: 5 prime UTR variant (2).
Genome position (GRCh38, 1-based): chr3:46,705,818-46,705,821, CGCC duplicated; duplicating any 4 consecutive bases within chr3:46,705,817-46,705,821 gives the same sequence; the c. name uses the placement nearest the transcript's 3' end. VCF-style (leftmost placement, unchanged base first): chr3-46705816-G-GCCGC. GRCh37 (hg19) VCF-style: chr3-46747306-G-GCCGC.
Other names: c.-38_-35dup (NM_001370524.1, NM_001370525.1); short protein forms P43fs.
Identifiers: ClinVar variation 984396 (VCV000984396.1), dbSNP rs876661301, ClinGen allele CA542720064.

ClinVar aggregate classification (germline): Pathogenic/Likely pathogenic. Review status: criteria provided, multiple submitters, no conflicts (2 of 4 stars). 2 submissions from 2 submitters: Pathogenic (1); Likely pathogenic (1). Last evaluated 2023-03-01.

Conditions:
Autosomal recessive nonsyndromic hearing loss 6. Also called: NEUROSENSORY NONSYNDROMIC RECESSIVE DEAFNESS 6. Identifiers: Orphanet 90636, MedGen C1832992, MONDO:0010965, OMIM 600971.
Sensorineural hearing loss disorder. Also called: Sensorineural hearing loss; Sensorineural hearing impairment; Sensorineural Deafness. Identifiers: MedGen C0018784, MeSH D006319, MONDO:0020678, HP:0000407.

Submissions (2):

Neuberg Centre For Genomic Medicine, NCGM
Classification: Likely pathogenic for Autosomal recessive nonsyndromic hearing loss 6. Last evaluated: 2023-03-01. Review status: criteria provided, single submitter. Criteria: ACMG Guidelines, 2015. Collection method: clinical testing. Allele origin: germline. Inheritance: Autosomal recessive inheritance. Affected: yes.
Comment: The frameshift variant c.122_125dup (p.Pro43AlafsTer73) in the TMIE gene has been reported previously in heterozygous and homozygous state in a family affected with Autosomal recessive non-syndromic deafness (Rayat et al., 2022). This variant is reported with the allele frequency (0.001%) in the gnomAD Exomes and novel (not in any individuals) in 1000 Genomes. It is submitted to ClinVar as Pathogenic. However, study on multiple affected individuals and the functional impact of the variant is not available. This variant is predicted to cause loss of normal protein function through protein truncation. Loss of function variants has been previously reported to be disease causing. For these reasons, this variant has been classified as Likely Pathogenic.

Genetics Research Center, University of Social Welfare and Rehabilitation Sciences
Classification: Pathogenic for Sensorineural hearing loss disorder. Last evaluated: 2020-09-30. Review status: criteria provided, single submitter. Criteria: ACMG Guidelines, 2015. Collection method: clinical testing. Allele origin: germline. Affected: yes.